The following is an entry in ClinVar:

NM_153717.3(EVC):c.2097+1G>A

Gene: EVC (EvC ciliary complex subunit 1; plus strand). Cytogenetic location: 4p16.2.
Variant type: single nucleotide variant.
Coding change: c.2097+1G>A on transcript NM_153717.3 (MANE Select); the canonical splice donor site of the intron after coding-DNA position 2097, G replaced by A.
Molecular consequence: splice donor variant.
Genome position (GRCh38, 1-based): chr4:5,797,233, G>A. VCF-style: chr4-5797233-G-A. GRCh37 (hg19) VCF-style: chr4-5798960-G-A.
Other names: c.2097+1G>A (NM_001306090.2).
Identifiers: ClinVar variation 2954096 (VCV002954096.3), dbSNP rs1553891368, ClinGen allele CA356144101.
Genomic context (GRCh38, chr4:5,797,233, plus strand): 5'-CTGGAGCAGGGGTCCTCCCAGTGCCTGGACGAGCATCAGTGGCAGCTGCTCAGGGCCCTG[G>A]TAAGACCAGCATGGTGGCCCCACCCATTCCAGACAGGCGGTGCCCCTGCAGCAGGCCCCA-3'

ClinVar aggregate classification (germline): Likely pathogenic (1 of 4 stars; one submission).

Conditions:
Ellis-van Creveld syndrome (EVC). Also called: EVC-Related Ellis-van Creveld Syndrome; EVC2-Related Ellis-van Creveld Syndrome; MESOECTODERMAL DYSPLASIA; Chondroectodermal dysplasia. Identifiers: Orphanet 289, MedGen C0013903, MONDO:0009162, OMIM 225500.
Curry-Hall syndrome (WAD). Also called: WEYERS ACRODENTAL DYSOSTOSIS. Identifiers: Orphanet 952, MedGen C0457013, MONDO:0008673, OMIM 193530.

Submission:

Labcorp Genetics (formerly Invitae), Labcorp
Classification: Likely pathogenic for Curry-Hall syndrome; Ellis-van Creveld syndrome. Last evaluated: 2023-11-21. Review status: criteria provided, single submitter. Criteria: Invitae Variant Classification Sherloc (09022015). Collection method: clinical testing. Allele origin: germline.
Comment: This sequence change affects a donor splice site in intron 14 of the EVC gene. It is expected to disrupt RNA splicing. Variants that disrupt the donor or acceptor splice site typically lead to a loss of protein function (PMID: 16199547), and loss-of-function variants in EVC are known to be pathogenic (PMID: 23220543). This variant is not present in population databases (gnomAD no frequency). This variant has not been reported in the literature in individuals affected with EVC-related conditions. Algorithms developed to predict the effect of sequence changes on RNA splicing suggest that this variant may disrupt the consensus splice site. In summary, the currently available evidence indicates that the variant is pathogenic, but additional data are needed to prove that conclusively. Therefore, this variant has been classified as Likely Pathogenic.

Literature cited by the submitters: PubMed 16199547; PubMed 23220543.